The following is an entry in ClinVar:

ClinVar aggregate classification (germline): Uncertain significance (1 of 4 stars; one submission).

Conditions:
Hyper-IgM syndrome type 5 (HIGM5). Also called: Hyper-IgM Immunodeficiency Syndrome, Type 5. Identifiers: Orphanet 101092, MedGen C1720958, MONDO:0011971, OMIM 608106.

Submission:

Labcorp Genetics (formerly Invitae), Labcorp
Classification: Uncertain significance for Hyper-IgM syndrome type 5. Last evaluated: 2021-11-13. Review status: criteria provided, single submitter. Criteria: Invitae Variant Classification Sherloc (09022015). Collection method: clinical testing. Allele origin: germline.
Comment: Experimental studies and prediction algorithms are not available or were not evaluated, and the functional significance of this variant is currently unknown. In summary, the available evidence is currently insufficient to determine the role of this variant in disease. Therefore, it has been classified as a Variant of Uncertain Significance. This variant has not been reported in the literature in individuals affected with UNG-related conditions. This variant is a gross deletion of the genomic region encompassing exon(s) 7 of the UNG gene, which includes the termination codon. This deletion extends beyond the assayed region for this gene and therefore may encompass additional genes. While this deletion is not anticipated to lead to nonsense mediated decay, it is expected to alter mRNA translation or result in a truncated protein product.

NC_000012.11:g.(?_109547614)_(109547774_?)del

Gene: UNG (uracil DNA glycosylase; plus strand). Cytogenetic location: 12q24.11.
Variant type: Deletion.
Identifiers: ClinVar variation 1445289 (VCV001445289.4).